The following is an entry in ClinVar:

NM_001287.6(CLCN7):c.73_111del (p.Arg25_Leu37del)

Genes: CLCN7 (Cl-/H+ antiporter 7; minus strand), LOC130058166 (ATAC-STARR-seq lymphoblastoid silent region 6986; plus strand). Cytogenetic location: 16p13.3.
Variant type: Deletion.
Coding change: c.73_111del on transcript NM_001287.6 (MANE Select); coding-DNA positions 73 to 111, 39 bases deleted.
Protein change: p.Arg25_Leu37del.
Genome position (GRCh38, 1-based): chr16:1,474,864-1,474,902, 39 bases deleted; deleting any 39 consecutive bases within chr16:1,474,864-1,474,913 gives the same sequence; the c. name uses the placement nearest the transcript's 3' end. GRCh37 (hg19): chr16:1,524,876-1,524,914.
Other names: c.73_111del, p.Arg25_Leu37del (NM_001114331.3).
Identifiers: ClinVar variation 3694139 (VCV003694139.2).

ClinVar aggregate classification (germline): Uncertain significance (1 of 4 stars; one submission).

Submission:

Labcorp Genetics (formerly Invitae), Labcorp
Classification: Uncertain significance. Last evaluated: 2025-08-26. Review status: criteria provided, single submitter. Criteria: Invitae Variant Classification Sherloc (09022015). Collection method: clinical testing. Allele origin: germline.
Comment: This variant, c.73_111del, results in the deletion of 13 amino acid(s) of the CLCN7 protein (p.Arg25_Leu37del), but otherwise preserves the integrity of the reading frame. The frequency data for this variant in the population databases is considered unreliable, as metrics indicate poor data quality at this position in the gnomAD database. This variant has not been reported in the literature in individuals affected with CLCN7-related conditions. ClinVar contains an entry for this variant (Variation ID: 3694139). Experimental studies and prediction algorithms are not available or were not evaluated, and the functional significance of this variant is currently unknown. In summary, the available evidence is currently insufficient to determine the role of this variant in disease. Therefore, it has been classified as a Variant of Uncertain Significance.